The following is an entry in ClinVar:

ClinVar aggregate classification (germline): Conflicting classifications of pathogenicity. Review status: criteria provided, conflicting classifications (1 of 4 stars). 5 submissions from 5 submitters: Likely pathogenic (2); Uncertain significance (2). 1 of the submissions does not count toward it. Last evaluated 2026-01-06.

Conditions:
Alport syndrome. Also called: Hemorrhagic familial nephritis; Hemorrhagic hereditary nephritis; Congenital hereditary hematuria. Identifiers: Orphanet 63, MedGen C1567741, MONDO:0018965.
Autosomal recessive Alport syndrome (ATS2). Also called: COL4A4 Alport Syndrome and Thin Basement Membrane Nephropathy; ALPORT SYNDROME 2, AUTOSOMAL RECESSIVE; COL4A3-Related Nephropathy; Alport syndrome type 2. Identifiers: Orphanet 63, Orphanet 88919, MedGen C4746745, MONDO:0008762, OMIM 203780.
Hematuria, benign familial, 1 (BFH1). Also called: THIN MEMBRANE NEPHROPATHY. Identifiers: MedGen CN376803, MONDO:0007709, OMIM 141200.

Allele frequency attached by ClinVar (database versions not stated): gnomAD exomes below 0.00001.
gnomAD v4.1: 1 of 1,613,984 alleles (0.000062%); highest among the groups gnomAD compares: Non-Finnish European, 0.000085%; no homozygotes.

Submissions (5):

Myriad Genetics, Inc.
Classification: Uncertain significance for Alport syndrome. Last evaluated: 2026-01-06. Review status: criteria provided, single submitter. Criteria: Myriad Autosomal Dominant, Autosomal Recessive and X-Linked Classification Criteria (2023). Collection method: clinical testing. Allele origin: unknown.
Comment: NM_000092.4(COL4A4):c.2546-1G>C is a variant in a canonical splice site classified as a variant of uncertain significance in the context of Alport syndrome, COL4A4-related. c.2546-1G>C has been observed in a case with relevant disease (PMID: 36753701). Relevant functional assessments of this variant are not available in the literature. c.2546-1G>C has not been observed in referenced population frequency databases. In summary, there is insufficient evidence to classify NM_000092.4(COL4A4):c.2546-1G>C as pathogenic or benign. Please note: this variant was assessed in the context of healthy population screening.

Fulgent Genetics
Classification: Likely pathogenic for Hematuria, benign familial, 1; Autosomal recessive Alport syndrome. Last evaluated: 2024-02-18. Review status: criteria provided, single submitter. Criteria: ACMG Guidelines, 2015. Collection method: clinical testing. Allele origin: germline.

Blueprint Genetics
Classification: Uncertain significance. Last evaluated: 2023-08-23. Review status: criteria provided, single submitter. Criteria: ACMG Guidelines, 2015. Collection method: clinical testing. Allele origin: germline.

Labcorp Genetics (formerly Invitae), Labcorp
Classification: Likely pathogenic. Last evaluated: 2021-02-02. Review status: criteria provided, single submitter. Criteria: Invitae Variant Classification Sherloc (09022015). Collection method: clinical testing. Allele origin: germline.
Comment: Algorithms developed to predict the effect of sequence changes on RNA splicing suggest that this variant may disrupt the consensus splice site, but this prediction has not been confirmed by published transcriptional studies. In summary, the currently available evidence indicates that the variant is pathogenic, but additional data are needed to prove that conclusively. Therefore, this variant has been classified as Likely Pathogenic. This variant has not been reported in the literature in individuals with COL4A4-related conditions. ClinVar contains an entry for this variant (Variation ID: 554267). This variant is not present in population databases (ExAC no frequency). This sequence change affects an acceptor splice site in intron 29 of the COL4A4 gene. It is expected to disrupt RNA splicing. Variants that disrupt the donor or acceptor splice site typically lead to a loss of protein function (PMID: 16199547), and loss-of-function variants in COL4A4 are known to be pathogenic (PMID: 21196518, 24854265, 25307543).

Counsyl
Classification: Likely pathogenic for Autosomal recessive Alport syndrome. Last evaluated: 2017-10-10. Review status: no assertion criteria provided. Collection method: clinical testing. Allele origin: unknown. Not counted in ClinVar's aggregate classification.

Literature cited by the submitters: PubMed 36753701 (cited by Myriad Genetics, Inc.); PubMed 16199547 (cited by Labcorp Genetics (formerly Invitae), Labcorp); PubMed 21196518 (cited by Labcorp Genetics (formerly Invitae), Labcorp); PubMed 24854265 (cited by Labcorp Genetics (formerly Invitae), Labcorp); PubMed 25307543 (cited by Labcorp Genetics (formerly Invitae), Labcorp).

NM_000092.5(COL4A4):c.2546-1G>C

Gene: COL4A4 (collagen type IV alpha 4 chain; minus strand). Cytogenetic location: 2q36.3.
Variant type: single nucleotide variant.
Coding change: c.2546-1G>C on transcript NM_000092.5 (MANE Select); the canonical splice acceptor site of the intron before coding-DNA position 2546, G replaced by C.
Molecular consequence: splice acceptor variant.
Genome position (GRCh38, 1-based): chr2:227,056,116, C>G on the plus strand (G>C on the coding strand, the complement: COL4A4 is on the minus strand). VCF-style: chr2-227056116-C-G. GRCh37 (hg19) VCF-style: chr2-227920832-C-G.
Identifiers: ClinVar variation 554267 (VCV000554267.13), dbSNP rs1553641728, ClinGen allele CA350841145.